The following is an entry in ClinVar:

NM_001378964.1(CDON):c.3726A>C (p.Thr1242=)

Gene: CDON (cell adhesion associated, oncogene regulated; minus strand). Cytogenetic location: 11q24.2.
Variant type: single nucleotide variant.
Coding change: c.3726A>C on transcript NM_001378964.1 (MANE Select); coding-DNA position 3726, A replaced by C.
Protein change: p.Thr1242=; no amino-acid change (threonine 1242 retained).
Molecular consequence: synonymous variant.
Genome position (GRCh38, 1-based): chr11:125,961,011, T>G on the plus strand (A>C on the coding strand, the complement: CDON is on the minus strand). VCF-style: chr11-125961011-T-G. GRCh37 (hg19) VCF-style: chr11-125830906-T-G.
Other names: c.3726A>C, p.Thr1242= (NM_016952.6); c.3795A>C, p.Thr1265= (NM_001243597.3).
Identifiers: ClinVar variation 772785 (VCV000772785.38), dbSNP rs139588649, ClinGen allele CA6351294.

ClinVar aggregate classification (germline): Benign/Likely benign. Review status: criteria provided, multiple submitters, no conflicts (2 of 4 stars). 4 submissions from 4 submitters: Benign (1); Likely benign (3). Last evaluated 2025-07-01.

Conditions:
Holoprosencephaly 11 (HPE11). Identifiers: Orphanet 2162, MedGen C3280215, MONDO:0013642, OMIM 614226.

Allele frequency attached by ClinVar (database versions not stated): 1000 Genomes Project 30x 0.00016; 1000 Genomes Project 0.00020; TOPMed 0.00041; gnomAD 0.00044 and 0.00046; ESP Exome Variant Server 0.00054.
gnomAD v4.1: 1,345 of 1,614,164 alleles (0.083%); highest among the groups gnomAD compares: Non-Finnish European, 0.096%; 1 homozygote.

Submissions (4):

CeGaT Center for Human Genetics Tuebingen
Classification: Likely benign. Last evaluated: 2025-07-01. Review status: criteria provided, single submitter. Criteria: CeGaT Center For Human Genetics Tuebingen Variant Classification Criteria Version 2. Collection method: clinical testing. Allele origin: germline. Affected: yes. Observed: 2 variant alleles.
Comment: CDON: BP4, BP7

Labcorp Genetics (formerly Invitae), Labcorp
Classification: Benign for Holoprosencephaly 11. Last evaluated: 2025-04-08. Review status: criteria provided, single submitter. Criteria: Invitae Variant Classification Sherloc (09022015). Collection method: clinical testing. Allele origin: germline.

Blueprint Genetics
Classification: Likely benign. Last evaluated: 2024-06-24. Review status: criteria provided, single submitter. Criteria: ACMG Guidelines, 2015. Collection method: clinical testing. Allele origin: germline.

Illumina Laboratory Services, Illumina
Classification: Likely benign for Holoprosencephaly 11. Last evaluated: 2018-01-12. Review status: criteria provided, single submitter. Criteria: ICSL Variant Classification Criteria 13 December 2019. Collection method: clinical testing. Allele origin: germline.
Comment: This variant was observed in the ICSL laboratory as part of a predisposition screen in an ostensibly healthy population. It had not been previously curated by ICSL or reported in the Human Gene Mutation Database (HGMD: prior to June 1st, 2018), and was therefore a candidate for classification through an automated scoring system. Utilizing variant allele frequency, disease prevalence and penetrance estimates, and inheritance mode, an automated score was calculated to assess if this variant is too frequent to cause the disease. Based on the score and internal cut-off values, a variant classified as likely benign is not then subjected to further curation. The score for this variant resulted in a classification of likely benign for this disease.